The following is an entry in ClinVar:

NM_139276.3(STAT3):c.1328C>T (p.Thr443Ile)

Gene: STAT3 (signal transducer and activator of transcription 3; minus strand). Cytogenetic location: 17q21.2.
Variant type: single nucleotide variant.
Coding change: c.1328C>T on transcript NM_139276.3 (MANE Select); coding-DNA position 1328, C replaced by T.
Protein change: p.Thr443Ile; replaces threonine 443 with isoleucine.
Molecular consequence: missense variant. On other transcripts: intron variant (1).
Genome position (GRCh38, 1-based): chr17:42,326,153, G>A on the plus strand (C>T on the coding strand, the complement: STAT3 is on the minus strand). VCF-style: chr17-42326153-G-A. GRCh37 (hg19) VCF-style: chr17-40478171-G-A.
Other names: c.1328C>T, p.Thr443Ile (NM_001384993.1, NM_003150.4, NM_213662.2 and 11 more transcripts); c.1282-1092C>T (NM_001384984.1); c.1250C>T, p.Thr417Ile (NM_001384985.1); c.1343C>T, p.Thr448Ile (NM_001384986.1, NM_001384990.1); c.1232C>T, p.Thr411Ile (NM_001384989.1); c.1268C>T, p.Thr423Ile (NM_001384992.1); short protein forms T443I, T411I, T417I, T423I, T448I.
Identifiers: ClinVar variation 542784 (VCV000542784.11), dbSNP rs1555564776, ClinGen allele CA399587727.

ClinVar aggregate classification (germline): Uncertain significance (1 of 4 stars; one submission).

Conditions:
Hyper-IgE recurrent infection syndrome 1, autosomal dominant. Also called: JOB SYNDROME; Job's Syndrome; STAT3 Hyper IgE Syndrome; HYPER-IgE SYNDROME 1, AUTOSOMAL DOMINANT, WITH RECURRENT INFECTIONS; Hyper-IgE recurrent infection syndrome 1. Identifiers: Orphanet 2314, MedGen C2936739, MONDO:0007818, OMIM 147060.
STAT3 gain of function. Identifiers: MedGen C4288261.

Submission:

Labcorp Genetics (formerly Invitae), Labcorp
Classification: Uncertain significance for STAT3 gain of function; Hyper-IgE recurrent infection syndrome 1, autosomal dominant. Last evaluated: 2022-02-05. Review status: criteria provided, single submitter. Criteria: Invitae Variant Classification Sherloc (09022015). Collection method: clinical testing. Allele origin: germline.
Comment: This variant is not present in population databases (gnomAD no frequency). This sequence change replaces threonine, which is neutral and polar, with isoleucine, which is neutral and non-polar, at codon 443 of the STAT3 protein (p.Thr443Ile). This missense change has been observed in individual(s) with clinical features of STAT3 gain of function disease (PMID: 31770611). In summary, the available evidence is currently insufficient to determine the role of this variant in disease. Therefore, it has been classified as a Variant of Uncertain Significance. Advanced modeling of protein sequence and biophysical properties (such as structural, functional, and spatial information, amino acid conservation, physicochemical variation, residue mobility, and thermodynamic stability) performed at Invitae indicates that this missense variant is not expected to disrupt STAT3 protein function. ClinVar contains an entry for this variant (Variation ID: 542784).

Literature cited by the submitters: PubMed 31770611.